The following is an entry in ClinVar:

ClinVar aggregate classification (germline): Likely pathogenic. Review status: criteria provided, multiple submitters, no conflicts (2 of 4 stars). 7 submissions from 7 submitters: Likely pathogenic (7). Last evaluated 2025-10-01.

Conditions:
Neurofibromatosis, type 1 (NF1). Also called: NEUROFIBROMATOSIS, TYPE I, SOMATIC; VON RECKLINGHAUSEN DISEASE; Peripheral type neurofibromatosis; Neurofibromatosis, type I. Identifiers: Orphanet 636, MedGen C0027831, MONDO:0018975, OMIM 162200. Disease mechanism: loss of function.
NF1-related disorder. Also called: NF1-related condition. Identifiers: MedGen CN379171.
Hereditary cancer-predisposing syndrome. Also called: Neoplastic Syndromes, Hereditary; Tumor predisposition; Hereditary neoplastic syndrome; Hereditary Cancer Syndrome. Identifiers: Orphanet 140162, MedGen C0027672, MeSH D009386, MONDO:0015356.
Cardiovascular phenotype. Identifiers: MedGen CN230736.

Allele frequency attached by ClinVar (database versions not stated): gnomAD exomes below 0.00001.
gnomAD v4.1: 1 of 1,611,652 alleles (0.000062%); highest among the groups gnomAD compares: South Asian, 0.0011%; no homozygotes.

Submissions (7):

Dasa
Classification: Likely pathogenic for neurofibromatosis type 1. Last evaluated: 2025-10-01. Review status: criteria provided, single submitter. Criteria: DASA Assertion Criteria. Collection method: clinical testing. Allele origin: germline.
Comment: NM_001042492.3(NF1):c.1528-2A>G affects a canonical splice site and is predicted to disrupt normal RNA splicing. Loss of function is an established disease mechanism for NF1 (PMID: 1757093; PMID: 1302608; PMID: 34427956). This variant has been reported in individuals with NF1-related disorders. Segregation data support an association with disease in the reported family/families. Also, this variant is rare in population databases. Based on the currently available evidence, this variant is classified as likely pathogenic.

GeneDx
Classification: Likely pathogenic. Last evaluated: 2025-03-20. Review status: criteria provided, single submitter. Criteria: GeneDx Variant Classification Process June 2021. Collection method: clinical testing. Allele origin: germline. Affected: yes.
Comment: Identified in a patient belonging to a cohort of individuals with rare cancers and/or members of the National Center for Tumor Diseases/German Cancer Consortium in published literature (PMID: 35988656). Variants in the RET and FANCI genes were also identified, but additional evidence is not available; Canonical splice site variant predicted to result in an in-frame loss of the adjacent exon in a gene for which loss of function is a known mechanism of disease; Deletions involving coding exons of this gene are a known mechanism of disease (HGMD); This variant is associated with the following publications: (PMID: 10712197, 25486365, 23913538, 35988656)

Labcorp Genetics (formerly Invitae), Labcorp
Classification: Likely pathogenic for Neurofibromatosis, type 1. Last evaluated: 2024-10-06. Review status: criteria provided, single submitter. Criteria: Invitae Variant Classification Sherloc (09022015). Collection method: clinical testing. Allele origin: germline.
Comment: This sequence change affects an acceptor splice site in intron 13 of the NF1 gene. RNA analysis indicates that disruption of this splice site induces altered splicing and may result in an absent or altered protein product. This variant is present in population databases (no rsID available, gnomAD 0.003%). This variant has not been reported in the literature in individuals affected with NF1-related conditions. ClinVar contains an entry for this variant (Variation ID: 960524). Studies have shown that disruption of this splice site results in activation of a cryptic splice site, and produces a non-functional protein and/or introduces a premature termination codon (internal data). In summary, the currently available evidence indicates that the variant is pathogenic, but additional data are needed to prove that conclusively. Therefore, this variant has been classified as Likely Pathogenic.

Women's Health and Genetics/Laboratory Corporation of America, LabCorp
Classification: Likely pathogenic for Neurofibromatosis, type 1. Last evaluated: 2024-07-15. Review status: criteria provided, single submitter. Criteria: LabCorp Variant Classification Summary - May 2015. Collection method: clinical testing. Allele origin: germline.
Comment: Variant summary: NF1 c.1528-2A>G is located in a canonical splice-site and is predicted to affect mRNA splicing resulting in a significantly altered protein due to either exon skipping, shortening, or inclusion of intronic material. Several computational tools predict a significant impact on normal splicing: Four predict the variant abolishes a 3' acceptor site. However, these predictions have yet to be confirmed by functional studies. The variant allele was found at a frequency of 4e-06 in 248252 control chromosomes. To our knowledge, no occurrence of c.1528-2A>G in individuals affected with Neurofibromatosis Type 1 and no experimental evidence demonstrating its impact on protein function have been reported. ClinVar contains an entry for this variant (Variation ID: 960524). Based on the evidence outlined above, the variant was classified as likely pathogenic.

Blueprint Genetics
Classification: Likely pathogenic for NF1-related disorders. Last evaluated: 2023-09-18. Review status: criteria provided, single submitter. Criteria: ACMG Guidelines, 2015. Collection method: clinical testing. Allele origin: germline. Affected: yes. Observed: 1 variant allele.

Ambry Genetics
Classification: Likely pathogenic for Cardiovascular phenotype; Hereditary cancer-predisposing syndrome. Last evaluated: 2023-06-01. Review status: criteria provided, single submitter. Criteria: Ambry Variant Classification Scheme 2023. Collection method: clinical testing. Allele origin: germline.
Comment: The c.1528-2A>G intronic variant results from an A to G substitution two nucleotides upstream from coding exon 14 in the NF1 gene. Alterations that disrupt the canonical splice site are expected to result in aberrant splicing. In silico splice site analysis predicts that this alteration will weaken the native splice acceptor site. The resulting transcript is predicted to be in-frame and is not expected to trigger nonsense-mediated mRNAdecay; however, direct evidence is unavailable. The exact functional effect of the altered amino acid sequence is unknown; however, the impacted region is critical for protein function (Ambry internal data). This nucleotide position is highly conserved in available vertebrate species. Based on the majority of available evidence to date, this variant is likely to be pathogenic.

Juno Genomics, Hangzhou Juno Genomics, Inc
Classification: Likely pathogenic for Neurofibromatosis, type 1. Review status: criteria provided, single submitter. Criteria: ACMG Guidelines, 2015. Collection method: clinical testing. Allele origin: germline. Affected: yes.
Comment: Absent from controls (or at extremely low frequency if recessive) in Genome Aggregation Database, Exome Sequencing Project, 1000 Genomes Project, or Exome Aggregation Consortium.;Null variant in a gene where loss of function (LOF) is a known mechanism of disease.;Assumed de novo, but without confirmation of paternity and maternity.;Patient's phenotype or family history is highly specific for a disease with a single genetic etiology.

Literature cited by the submitters: PubMed 1757093 (cited by Dasa); PubMed 1302608 (cited by Dasa); PubMed 34427956 (cited by Dasa).

NM_001042492.3(NF1):c.1528-2A>G

Gene: NF1 (neurofibromin 1; plus strand). Cytogenetic location: 17q11.2.
Variant type: single nucleotide variant.
Coding change: c.1528-2A>G on transcript NM_001042492.3 (MANE Select); the canonical splice acceptor site of the intron before coding-DNA position 1528, A replaced by G.
Molecular consequence: splice acceptor variant.
Genome position (GRCh38, 1-based): chr17:31,219,003, A>G. VCF-style: chr17-31219003-A-G. GRCh37 (hg19) VCF-style: chr17-29546021-A-G.
Other names: c.1528-2A>G (NM_000267.4, NM_001128147.3).
Identifiers: ClinVar variation 960524 (VCV000960524.15), dbSNP rs1368005133, ClinGen allele CA399001807.